The following is an entry in ClinVar:

ClinVar aggregate classification (germline): Uncertain significance (1 of 4 stars; one submission).

Conditions:
Mitochondrial DNA depletion syndrome 17. Identifiers: MedGen C5231412, MONDO:0032815, OMIM 618567.

Submission:

Dasa
Classification: Uncertain significance for Mitochondrial DNA depletion syndrome 17. Last evaluated: 2025-11-27. Review status: criteria provided, single submitter. Criteria: DASA Assertion Criteria. Collection method: clinical testing. Allele origin: germline.
Comment: NM_013393.3(MRM2):c.651del (p.Ile218Serfs*27) is a frameshift variant in MRM2 predicted to alter the reading frame and introduce a premature termination codon. This variant is rare in population databases. The currently available literature and clinical evidence are not sufficient to establish a definitive association between this variant and the reported condition. Therefore, this variant is classified as a variant of uncertain significance.

NM_013393.3(MRM2):c.651del (p.Ile218fs)

Gene: MRM2 (mitochondrial rRNA methyltransferase 2; minus strand). Cytogenetic location: 7p22.3.
Variant type: Deletion.
Coding change: c.651del on transcript NM_013393.3 (MANE Select); coding-DNA position 651, one base deleted (C; older notation c.651delC).
Protein change: p.Ile218fs; shifts the reading frame from isoleucine 218.
Molecular consequence: frameshift variant.
Genome position (GRCh38, 1-based): chr7:2,235,212, G deleted on the plus strand (C on the coding strand, the reverse complement: MRM2 is on the minus strand). VCF-style (leftmost placement, unchanged base first): chr7-2235211-TG-T. GRCh37 (hg19) VCF-style: chr7-2274846-TG-T.
Other names: short protein forms I218fs.
Identifiers: ClinVar variation 4883869 (VCV004883869.2).
Genomic context (GRCh38, chr7:2,235,211, plus strand): 5'-GGTACTGTGTGGCCAAGAAGTACACTTCTGATGACTCTTTCCTGCTGGCTTCAGGTTTGA[TG>T]ATCCTTACATTCTGGAATTCCTCTGTCAGTCTCCTCTGTAACCGACGGCTTTGACTTCCA-3'